The following is an entry in ClinVar:

NM_013262.4(MYLIP):c.1123C>A (p.Gln375Lys)

Gene: MYLIP (myosin regulatory light chain interacting protein; plus strand). Cytogenetic location: 6p22.3.
Variant type: single nucleotide variant.
Coding change: c.1123C>A on transcript NM_013262.4 (MANE Select); coding-DNA position 1123, C replaced by A.
Protein change: p.Gln375Lys; replaces glutamine 375 with lysine.
Molecular consequence: missense variant.
Genome position (GRCh38, 1-based): chr6:16,145,192, C>A. VCF-style: chr6-16145192-C-A. GRCh37 (hg19) VCF-style: chr6-16145423-C-A.
Other names: c.958C>A, p.Gln320Lys (NM_001436627.1); short protein forms Q375K, Q320K.
Identifiers: ClinVar variation 4750749 (VCV004750749.1).

ClinVar aggregate classification (germline): Uncertain significance (1 of 4 stars; one submission).

gnomAD v4.1: 3 of 1,614,022 alleles (0.00019%); highest among the groups gnomAD compares: African/African-American, 0.0013%; no homozygotes.

Submission:

Labcorp Genetics (formerly Invitae), Labcorp
Classification: Uncertain significance. Last evaluated: 2026-01-15. Review status: criteria provided, single submitter. Criteria: Invitae Variant Classification Sherloc (09022015). Collection method: clinical testing. Allele origin: germline.
Comment: This sequence change replaces glutamine, which is neutral and polar, with lysine, which is basic and polar, at codon 375 of the MYLIP protein (p.Gln375Lys). This variant is not present in population databases (gnomAD no frequency). This variant has not been reported in the literature in individuals affected with MYLIP-related conditions. An algorithm developed to predict the effect of missense changes on protein structure and function (PolyPhen-2) suggests that this variant is likely to be tolerated. In summary, the available evidence is currently insufficient to determine the role of this variant in disease. Therefore, it has been classified as a Variant of Uncertain Significance.